The following is an entry in ClinVar:

NM_001184.4(ATR):c.4692A>G (p.Ile1564Met)

Gene: ATR (ATR checkpoint kinase; minus strand). Cytogenetic location: 3q23.
Variant type: single nucleotide variant.
Coding change: c.4692A>G on transcript NM_001184.4 (MANE Select); coding-DNA position 4692, A replaced by G.
Protein change: p.Ile1564Met; replaces isoleucine 1564 with methionine.
Molecular consequence: missense variant.
Genome position (GRCh38, 1-based): chr3:142,512,420, T>C on the plus strand (A>G on the coding strand, the complement: ATR is on the minus strand). VCF-style: chr3-142512420-T-C. GRCh37 (hg19) VCF-style: chr3-142231262-T-C.
Other names: c.4500A>G, p.Ile1500Met (NM_001354579.2); short protein forms I1564M, I1500M.
Identifiers: ClinVar variation 1742485 (VCV001742485.3), dbSNP rs2032625121, ClinGen allele CA354795658.
Genomic context (GRCh38, chr3:142,512,420, plus strand): 5'-CATGGAGAACACAGTCTGTGTACTGAGTTGACACAGATCAGATGCAATGTCTTGGGTATT[T>C]ATGGTATGCTGATCGTCATGCTTTAGAACTGCCATAATTTCTGCATAAACCTATGAGAAT-3'
Protein context (NP_001175.2, residues 1554-1574): AVLKHDDQHT[Ile1564Met]NTQDIASDLC

ClinVar aggregate classification (germline): Uncertain significance (1 of 4 stars; one submission).

Conditions:
Inborn genetic diseases. Identifiers: MedGen C0950123, MeSH D030342.

Submission:

Ambry Genetics
Classification: Uncertain significance for Inborn genetic diseases. Last evaluated: 2024-11-02. Review status: criteria provided, single submitter. Criteria: Ambry Variant Classification Scheme 2023. Collection method: clinical testing. Allele origin: germline.
Comment: The p.I1564M variant (also known as c.4692A>G), located in coding exon 27 of the ATR gene, results from an A to G substitution at nucleotide position 4692. The isoleucine at codon 1564 is replaced by methionine, an amino acid with highly similar properties. This amino acid position is conserved. In addition, this alteration is predicted to be tolerated by in silico analysis. Since supporting evidence is limited at this time, the clinical significance of this alteration remains unclear.